The following is an entry in ClinVar:

NM_005518.4(HMGCS2):c.50C>T (p.Ala17Val)

Gene: HMGCS2 (3-hydroxy-3-methylglutaryl-CoA synthase 2; minus strand). Cytogenetic location: 1p12.
Variant type: single nucleotide variant.
Coding change: c.50C>T on transcript NM_005518.4 (MANE Select); coding-DNA position 50, C replaced by T.
Protein change: p.Ala17Val; replaces alanine 17 with valine.
Molecular consequence: missense variant.
Genome position (GRCh38, 1-based): chr1:119,768,795, G>A on the plus strand (C>T on the coding strand, the complement: HMGCS2 is on the minus strand). VCF-style: chr1-119768795-G-A. GRCh37 (hg19) VCF-style: chr1-120311418-G-A.
Other names: c.50C>T, p.Ala17Val (NM_001166107.1); short protein forms A17V.
Identifiers: ClinVar variation 850237 (VCV000850237.7), dbSNP rs587712415, ClinGen allele CA1037994.

ClinVar aggregate classification (germline): Uncertain significance (1 of 4 stars; one submission).

Conditions:
3-hydroxy-3-methylglutaryl-CoA synthase deficiency (HMGCS2D). Also called: HMG-CoA synthase-2 deficiency; HMGCS2 DEFICIENCY; MITOCHONDRIAL HMG-CoA SYNTHASE DEFICIENCY. Identifiers: Orphanet 35701, MedGen C2751532, MONDO:0011614, OMIM 605911.

Allele frequency attached by ClinVar (database versions not stated): 1000 Genomes Project below 0.00001; TOPMed 0.00002; gnomAD exomes 0.00003 and 0.00004; ExAC 0.00007.
gnomAD v4.1: 49 of 1,613,922 alleles (0.003%); highest among the groups gnomAD compares: Non-Finnish European, 0.0036%; no homozygotes.

Submission:

Labcorp Genetics (formerly Invitae), Labcorp
Classification: Uncertain significance for 3-hydroxy-3-methylglutaryl-CoA synthase deficiency. Last evaluated: 2021-09-01. Review status: criteria provided, single submitter. Criteria: Invitae Variant Classification Sherloc (09022015). Collection method: clinical testing. Allele origin: germline.
Comment: This sequence change replaces alanine with valine at codon 17 of the HMGCS2 protein (p.Ala17Val). The alanine residue is weakly conserved and there is a small physicochemical difference between alanine and valine. This variant is present in population databases (rs587712415, ExAC 0.03%). This variant has not been reported in the literature in individuals affected with HMGCS2-related conditions. Algorithms developed to predict the effect of missense changes on protein structure and function output the following: SIFT: "Tolerated"; PolyPhen-2: "Benign"; Align-GVGD: "Class C0". The valine amino acid residue is found in multiple mammalian species, which suggests that this missense change does not adversely affect protein function. In summary, the available evidence is currently insufficient to determine the role of this variant in disease. Therefore, it has been classified as a Variant of Uncertain Significance.